The following is an entry in ClinVar:

ClinVar aggregate classification (germline): Benign/Likely benign. Review status: criteria provided, multiple submitters, no conflicts (2 of 4 stars). 3 submissions from 3 submitters: Benign (1); Likely benign (2). Last evaluated 2021-05-13.

Conditions:
Ceroid lipofuscinosis, neuronal, 4 (Kufs type) (CLN4). Also called: Neuronal ceroid lipofuscinosis 4B; Ceroid lipofuscinosis, neuronal, 4, Parry type. Identifiers: Orphanet 228343, Orphanet 79262, MedGen C1834207, MONDO:0008083, OMIM 162350.

Allele frequency attached by ClinVar (database versions not stated): 1000 Genomes Project 0.00839; 1000 Genomes Project 30x 0.00921; TOPMed 0.01660; gnomAD 0.01753 and 0.01781.

Submissions (3):

GeneDx
Classification: Likely benign. Last evaluated: 2021-05-13. Review status: criteria provided, single submitter. Criteria: GeneDx Variant Classification Process June 2021. Collection method: clinical testing. Allele origin: germline. Affected: yes.

Illumina Laboratory Services, Illumina
Classification: Benign for Ceroid lipofuscinosis, neuronal, 4 (Kufs type). Last evaluated: 2018-01-12. Review status: criteria provided, single submitter. Criteria: ICSL Variant Classification Criteria 13 December 2019. Collection method: clinical testing. Allele origin: germline.
Comment: This variant was observed in the ICSL laboratory as part of a predisposition screen in an ostensibly healthy population. It had not been previously curated by ICSL or reported in the Human Gene Mutation Database (HGMD: prior to June 1st, 2018), and was therefore a candidate for classification through an automated scoring system. Utilizing variant allele frequency, disease prevalence and penetrance estimates, and inheritance mode, an automated score was calculated to assess if this variant is too frequent to cause the disease. Based on the score and internal cut-off values, a variant classified as benign is not then subjected to further curation. The score for this variant resulted in a classification of benign for this disease.

Breakthrough Genomics
Classification: Likely benign. Review status: criteria provided, single submitter. Criteria: ACMG Guidelines, 2015. Collection method: not provided. Allele origin: germline. Inheritance: Autosomal dominant inheritance. Affected: yes.

NM_025219.3(DNAJC5):c.*4300C>T

Gene: DNAJC5 (DnaJ heat shock protein family (Hsp40) member C5; plus strand). Cytogenetic location: 20q13.33.
Variant type: single nucleotide variant.
Coding change: c.*4300C>T on transcript NM_025219.3 (MANE Select); 4300 bases downstream of the stop codon, C replaced by T.
Molecular consequence: 3 prime UTR variant.
Genome position (GRCh38, 1-based): chr20:63,935,868, C>T. VCF-style: chr20-63935868-C-T. GRCh37 (hg19) VCF-style: chr20-62567221-C-T.
Identifiers: ClinVar variation 339445 (VCV000339445.8), dbSNP rs41278224, ClinGen allele CA10652811.
Genomic context (GRCh38, chr20:63,935,868, plus strand): 5'-ACACGCATGGAAGCTGCTTGTCCATGCACTGGTTTTGTCACTGGCGTCCTGGAATCCGAC[C>T]GTGTTGGGGTGCAGGCGCTGTCAGACTCCGGCTGATCCTGGCTCGAGCACACACATCTAA-3'